The following is an entry in ClinVar:

ClinVar aggregate classification (germline): Pathogenic/Likely pathogenic. Review status: criteria provided, multiple submitters, no conflicts (2 of 4 stars). 5 submissions from 5 submitters: Pathogenic (4); Likely pathogenic (1). Last evaluated 2024-01-09.

Conditions:
Ataxia-telangiectasia syndrome (AT). Also called: Ataxia-telangiectasia, complementation group E; LOUIS-BAR SYNDROME; Cerebello-oculocutaneous telangiectasia; Immunodeficiency with ataxia telangiectasia; Ataxia-telangiectasia, complementation group D; AT, COMPLEMENTATION GROUP C. Identifiers: Orphanet 100, MedGen C0004135, MONDO:0008840, OMIM 208900.
Familial cancer of breast. Also called: Hereditary breast cancer; BREAST CANCER, FAMILIAL; hereditary breast carcinoma. Identifiers: Orphanet 227535, MedGen C0346153, MONDO:0016419, OMIM 114480. Disease mechanism: loss of function.
Hereditary cancer-predisposing syndrome. Also called: Hereditary Cancer Syndrome; Tumor predisposition; Neoplastic Syndromes, Hereditary; Hereditary neoplastic syndrome. Identifiers: Orphanet 140162, MedGen C0027672, MeSH D009386, MONDO:0015356.

Submissions (5):

Myriad Genetics, Inc.
Classification: Pathogenic for Familial cancer of breast. Last evaluated: 2024-01-09. Review status: criteria provided, single submitter. Criteria: Myriad Autosomal Dominant, Autosomal Recessive and X-Linked Classification Criteria (2023). Collection method: clinical testing. Allele origin: unknown.
Comment: This variant is considered pathogenic. This variant creates a frameshift predicted to result in premature protein truncation.

Labcorp Genetics (formerly Invitae), Labcorp
Classification: Pathogenic for Ataxia-telangiectasia syndrome. Last evaluated: 2023-11-02. Review status: criteria provided, single submitter. Criteria: Invitae Variant Classification Sherloc (09022015). Collection method: clinical testing. Allele origin: germline.
Comment: This sequence change creates a premature translational stop signal (p.Ser214Phefs*40) in the ATM gene. It is expected to result in an absent or disrupted protein product. Loss-of-function variants in ATM are known to be pathogenic (PMID: 23807571, 25614872). This variant is not present in population databases (gnomAD no frequency). This variant has not been reported in the literature in individuals affected with ATM-related conditions. ClinVar contains an entry for this variant (Variation ID: 826388). For these reasons, this variant has been classified as Pathogenic.

Ambry Genetics
Classification: Pathogenic for Hereditary cancer-predisposing syndrome. Last evaluated: 2023-09-06. Review status: criteria provided, single submitter. Criteria: Ambry Variant Classification Scheme 2023. Collection method: clinical testing. Allele origin: germline.
Comment: The c.640dupT pathogenic mutation, located in coding exon 5 of the ATM gene, results from a duplication of T at nucleotide position 640, causing a translational frameshift with a predicted alternate stop codon (p.S214Ffs*40). This alteration is expected to result in loss of function by premature protein truncation or nonsense-mediated mRNA decay. As such, this alteration is interpreted as a disease-causing mutation.

Baylor Genetics
Classification: Pathogenic for Familial cancer of breast. Last evaluated: 2022-12-31. Review status: criteria provided, single submitter. Criteria: ACMG Guidelines, 2015. Collection method: clinical testing. Allele origin: unknown.

Juno Genomics, Hangzhou Juno Genomics, Inc
Classification: Likely pathogenic for Familial cancer of breast; Ataxia-telangiectasia syndrome. Review status: criteria provided, single submitter. Criteria: ACMG Guidelines, 2015. Collection method: clinical testing. Allele origin: germline.
Comment: Null variant in a gene where loss of function (LOF) is a known mechanism of disease.;Absent from controls (or at extremely low frequency if recessive) in Genome Aggregation Database.

Literature cited by the submitters: PubMed 23807571 (cited by Labcorp Genetics (formerly Invitae), Labcorp); PubMed 25614872 (cited by Labcorp Genetics (formerly Invitae), Labcorp).

NM_000051.4(ATM):c.640dup (p.Ser214fs)

Gene: ATM (ATM serine/threonine kinase; plus strand). Cytogenetic location: 11q22.3.
Variant type: Duplication.
Coding change: c.640dup on transcript NM_000051.4 (MANE Select); coding-DNA position 640, one base duplicated (T; older notation c.640dupT).
Protein change: p.Ser214fs; shifts the reading frame from serine 214.
Molecular consequence: frameshift variant.
Genome position (GRCh38, 1-based): chr11:108,244,096, T duplicated; the last of 7 consecutive T bases (chr11:108,244,090-108,244,096); duplicating any one gives the same sequence. VCF-style (leftmost placement, unchanged base first): chr11-108244089-C-CT. GRCh37 (hg19) VCF-style: chr11-108114816-C-CT.
Other names: c.640dup, p.Ser214fs (NM_001351834.2); short protein forms S214fs.
Identifiers: ClinVar variation 826388 (VCV000826388.16), dbSNP rs786204543, ClinGen allele CA915947719.